The following is an entry in ClinVar:

NM_006269.2(RP1):c.1732G>T (p.Glu578Ter)

Gene: RP1 (RP1 axonemal microtubule associated; plus strand). Cytogenetic location: 8q12.1.
Variant type: single nucleotide variant.
Coding change: c.1732G>T on transcript NM_006269.2 (MANE Select); coding-DNA position 1732, G replaced by T.
Protein change: p.Glu578Ter; replaces glutamic acid 578 with a stop codon.
Molecular consequence: nonsense. On other transcripts: intron variant (1).
Genome position (GRCh38, 1-based): chr8:54,625,614, G>T. VCF-style: chr8-54625614-G-T. GRCh37 (hg19) VCF-style: chr8-55538174-G-T.
Other names: c.787+3326G>T (NM_001375654.1); short protein forms E578*.
Identifiers: ClinVar variation 1457473 (VCV001457473.6), dbSNP rs2129316272, ClinGen allele CA370991411.

ClinVar aggregate classification (germline): Pathogenic (1 of 4 stars; one submission).

Submission:

Labcorp Genetics (formerly Invitae), Labcorp
Classification: Pathogenic. Last evaluated: 2022-08-22. Review status: criteria provided, single submitter. Criteria: Invitae Variant Classification Sherloc (09022015). Collection method: clinical testing. Allele origin: germline.
Comment: This variant is not present in population databases (gnomAD no frequency). For these reasons, this variant has been classified as Pathogenic. This variant disrupts a region of the RP1 protein in which other variant(s) (p.Ile2061Serfs*12) have been determined to be pathogenic (Invitae). This suggests that this is a clinically significant region of the protein, and that variants that disrupt it are likely to be disease-causing. Algorithms developed to predict the effect of sequence changes on RNA splicing suggest that this variant may create or strengthen a splice site. ClinVar contains an entry for this variant (Variation ID: 1457473). This variant has not been reported in the literature in individuals affected with RP1-related conditions. This sequence change creates a premature translational stop signal (p.Glu578*) in the RP1 gene. While this is not anticipated to result in nonsense mediated decay, it is expected to disrupt the last 1579 amino acid(s) of the RP1 protein.